The following is an entry in ClinVar:

NM_003482.4(KMT2D):c.4193C>T (p.Ser1398Leu)

Gene: KMT2D (lysine methyltransferase 2D; minus strand). Cytogenetic location: 12q13.12.
Variant type: single nucleotide variant.
Coding change: c.4193C>T on transcript NM_003482.4 (MANE Select); coding-DNA position 4193, C replaced by T.
Protein change: p.Ser1398Leu; replaces serine 1398 with leucine.
Molecular consequence: missense variant.
Genome position (GRCh38, 1-based): chr12:49,048,008, G>A on the plus strand (C>T on the coding strand, the complement: KMT2D is on the minus strand). VCF-style: chr12-49048008-G-A. GRCh37 (hg19) VCF-style: chr12-49441791-G-A.
Other names: short protein forms S1398L.
Identifiers: ClinVar variation 4986223 (VCV004986223.1).

ClinVar aggregate classification (germline): Uncertain significance (1 of 4 stars; one submission).

Conditions:
KMT2D-related disorder. Also called: KMT2D-Related Disorders.

gnomAD v4.1: 6 of 1,613,358 alleles (0.00037%); highest among the groups gnomAD compares: Admixed American, 0.0017%; no homozygotes.

Submission:

PreventionGenetics, part of Exact Sciences
Classification: Uncertain significance for KMT2D-related condition. Last evaluated: 2026-06-10. Review status: criteria provided, single submitter. Criteria: ACMG Guidelines, 2015. Collection method: clinical testing. Allele origin: germline.
Comment: The KMT2D c.4193C>T variant is predicted to result in the amino acid substitution p.Ser1398Leu. To our knowledge, this variant has not been reported in the literature. This variant is reported in 0.00089% of alleles in individuals of European (Non-Finnish) descent in gnomAD. At this time, the clinical significance of this variant is uncertain due to the absence of conclusive functional and genetic evidence.